The following is an entry in ClinVar:

ClinVar aggregate classification (germline): Uncertain significance. Review status: criteria provided, multiple submitters, no conflicts (2 of 4 stars). 2 submissions from 2 submitters: Uncertain significance (2). Last evaluated 2022-03-04.

Conditions:
Inborn genetic diseases. Identifiers: MedGen C0950123, MeSH D030342.

Allele frequency attached by ClinVar (database versions not stated): gnomAD 0.00001; gnomAD exomes 0.00001 and 0.00003.
gnomAD v4.1: 22 of 1,613,052 alleles (0.0014%); highest among the groups gnomAD compares: East Asian, 0.013%; no homozygotes.

Submissions (2):

Labcorp Genetics (formerly Invitae), Labcorp
Classification: Uncertain significance. Last evaluated: 2022-03-04. Review status: criteria provided, single submitter. Criteria: Invitae Variant Classification Sherloc (09022015). Collection method: clinical testing. Allele origin: germline.
Comment: This sequence change replaces arginine, which is basic and polar, with lysine, which is basic and polar, at codon 55 of the TYMP protein (p.Arg55Lys). This variant is present in population databases (rs778034388, gnomAD 0.04%). This variant has not been reported in the literature in individuals affected with TYMP-related conditions. Advanced modeling of protein sequence and biophysical properties (such as structural, functional, and spatial information, amino acid conservation, physicochemical variation, residue mobility, and thermodynamic stability) performed at Invitae indicates that this missense variant is not expected to disrupt TYMP protein function. In summary, the available evidence is currently insufficient to determine the role of this variant in disease. Therefore, it has been classified as a Variant of Uncertain Significance.

Ambry Genetics
Classification: Uncertain significance for Inborn genetic diseases. Last evaluated: 2021-09-01. Review status: criteria provided, single submitter. Criteria: Ambry Variant Classification Scheme 2023. Collection method: clinical testing. Allele origin: germline.

NM_001953.5(TYMP):c.164G>A (p.Arg55Lys)

Gene: TYMP (thymidine phosphorylase; minus strand). Cytogenetic location: 22q13.33.
Variant type: single nucleotide variant.
Coding change: c.164G>A on transcript NM_001953.5 (MANE Select); coding-DNA position 164, G replaced by A.
Protein change: p.Arg55Lys; replaces arginine 55 with lysine.
Molecular consequence: missense variant.
Genome position (GRCh38, 1-based): chr22:50,529,546, C>T on the plus strand (G>A on the coding strand, the complement: TYMP is on the minus strand). VCF-style: chr22-50529546-C-T. GRCh37 (hg19) VCF-style: chr22-50967975-C-T.
Other names: c.164G>A, p.Arg55Lys (NM_001113755.3, NM_001113756.3, NM_001257988.1 and 1 more transcripts); c.164G>A (NM_001953.3); short protein forms R55K.
Identifiers: ClinVar variation 1399413 (VCV001399413.4), dbSNP rs778034388, ClinGen allele CA10321866.
Genomic context (GRCh38, chr22:50,529,546, plus strand): 5'-CCCCACGCACCGATCTGTGCGCCCTGCGCGCTCCCATTCACCACAGCGGCCACGAAGCCC[C>T]TGATGTCCGCTTCGCTCAGGCGGCCTCCGTCTCGCTTCATGCGGATCAGCTCCGGGAGCT-3'
Protein context (NP_001944.1, residues 45-65): DGGRLSEADI[Arg55Lys]GFVAAVVNGS